The following is an entry in ClinVar:

NM_021922.3(FANCE):c.1058C>T (p.Pro353Leu)

Gene: FANCE (FA complementation group E; plus strand). Cytogenetic location: 6p21.31.
Variant type: single nucleotide variant.
Coding change: c.1058C>T on transcript NM_021922.3 (MANE Select); coding-DNA position 1058, C replaced by T.
Protein change: p.Pro353Leu; replaces proline 353 with leucine.
Molecular consequence: missense variant.
Genome position (GRCh38, 1-based): chr6:35,458,385, C>T. VCF-style: chr6-35458385-C-T. GRCh37 (hg19) VCF-style: chr6-35426162-C-T.
Other names: short protein forms P353L.
Identifiers: ClinVar variation 134339 (VCV000134339.5), dbSNP rs587778339, ClinGen allele CA159542.

ClinVar aggregate classification (germline): Uncertain significance. Review status: criteria provided, multiple submitters, no conflicts (2 of 4 stars). 3 submissions from 3 submitters: Uncertain significance (2). 1 of the submissions does not count toward it. Last evaluated 2025-02-05.

Conditions:
Hereditary cancer-predisposing syndrome. Also called: Tumor predisposition; Hereditary neoplastic syndrome; Neoplastic Syndromes, Hereditary; Hereditary Cancer Syndrome. Identifiers: Orphanet 140162, MedGen C0027672, MeSH D009386, MONDO:0015356.
Fanconi anemia complementation group E (FANCE). Also called: FANCE-Related Fanconi Anemia. Identifiers: Orphanet 84, MedGen C3160739, MONDO:0010953, OMIM 600901.

Submissions (3):

Molecular Diagnostics Laboratory, Catalan Institute of Oncology
Classification: Uncertain significance for Hereditary cancer-predisposing syndrome. Last evaluated: 2025-02-05. Review status: criteria provided, single submitter. Criteria: ACMG Guidelines, 2015. Collection method: clinical testing. Allele origin: germline.
Comment: PM2_Supporting c.1058C>T located in exon 5 of the FANCE gene, is predicted to result in the substitution of proline by leucine at codon 353, p.(Pro353Leu). It is not present in the population database gnomAD v2.1.1, non cancer dataset (PM2_Supporting). The SpliceAI algorithm predicts no significant impact on splicing and the REVEL meta-predictor score (0.297) for this variant suggests an intermediate effect on the protein function according Pejaver 2022 thresholds (PMID: 36413997). To our knowledge, functional studies have not been reported for this variant. This variant has been reported in the ClinVar database (1x uncertain significance, 1x not classified) but is not present in LOVD database. Based on currently available information, the variant c.1058C>T is classified as an uncertain significance variant according to ACMG guidelines.

Labcorp Genetics (formerly Invitae), Labcorp
Classification: Uncertain significance for Fanconi anemia complementation group E. Last evaluated: 2022-08-09. Review status: criteria provided, single submitter. Criteria: Invitae Variant Classification Sherloc (09022015). Collection method: clinical testing. Allele origin: germline.
Comment: This sequence change replaces proline, which is neutral and non-polar, with leucine, which is neutral and non-polar, at codon 353 of the FANCE protein (p.Pro353Leu). This variant is not present in population databases (gnomAD no frequency). This variant has not been reported in the literature in individuals affected with FANCE-related conditions. ClinVar contains an entry for this variant (Variation ID: 134339). Algorithms developed to predict the effect of missense changes on protein structure and function are either unavailable or do not agree on the potential impact of this missense change (SIFT: "Deleterious"; PolyPhen-2: "Probably Damaging"; Align-GVGD: "Class C0"). In summary, the available evidence is currently insufficient to determine the role of this variant in disease. Therefore, it has been classified as a Variant of Uncertain Significance.

ITMI
No classification provided. Condition: AllHighlyPenetrant. Last evaluated: 2013-09-19. Review status: no classification provided. Collection method: reference population. Allele origin: germline. Not counted in ClinVar's aggregate classification.
Comment: Please see associated publication for description of ethnicities

Literature cited by the submitters: PubMed 24728327 (cited by ITMI).